The following is an entry in ClinVar:

ClinVar aggregate classification (germline): Uncertain significance (1 of 4 stars; one submission).

Conditions:
Hereditary cancer-predisposing syndrome. Also called: Tumor predisposition; Neoplastic Syndromes, Hereditary; Hereditary Cancer Syndrome; Hereditary neoplastic syndrome. Identifiers: Orphanet 140162, MedGen C0027672, MeSH D009386, MONDO:0015356.

Submission:

Ambry Genetics
Classification: Uncertain significance for Hereditary cancer-predisposing syndrome. Last evaluated: 2024-07-05. Review status: criteria provided, single submitter. Criteria: Ambry Variant Classification Scheme 2023. Collection method: clinical testing. Allele origin: germline.
Comment: The p.D128E variant (also known as c.384C>A), located in coding exon 3 of the EPCAM gene, results from a C to A substitution at nucleotide position 384. The aspartic acid at codon 128 is replaced by glutamic acid, an amino acid with highly similar properties. This amino acid position is conserved. In addition, this alteration is predicted to be tolerated by in silico analysis. Based on the available evidence, the clinical significance of this variant remains unclear.

NM_002354.3(EPCAM):c.384C>A (p.Asp128Glu)

Gene: EPCAM (epithelial cell adhesion molecule; plus strand). Cytogenetic location: 2p21.
Variant type: single nucleotide variant.
Coding change: c.384C>A on transcript NM_002354.3 (MANE Select); coding-DNA position 384, C replaced by A.
Protein change: p.Asp128Glu; replaces aspartic acid 128 with glutamic acid.
Molecular consequence: missense variant.
Genome position (GRCh38, 1-based): chr2:47,374,007, C>A. VCF-style: chr2-47374007-C-A. GRCh37 (hg19) VCF-style: chr2-47601146-C-A.
Other names: short protein forms D128E.
Identifiers: ClinVar variation 3509156 (VCV003509156.1).
Genomic context (GRCh38, chr2:47,374,007, plus strand): 5'-GCAGTGCAACGGCACCTCCATGTGCTGGTGTGTGAACACTGCTGGGGTCAGAAGAACAGA[C>A]AAGGACACTGAAATAACCTGCTCTGAGCGAGTGAGAACCTAGTGAGTGGGGCTGCCTATA-3'
Protein context (NP_002345.2, residues 118-138): CVNTAGVRRT[Asp128Glu]KDTEITCSER